The following is an entry in ClinVar:

NM_004329.3(BMPR1A):c.917A>G (p.Tyr306Cys)

Gene: BMPR1A (bone morphogenetic protein receptor type 1A; plus strand). Cytogenetic location: 10q23.2.
Variant type: single nucleotide variant.
Coding change: c.917A>G on transcript NM_004329.3 (MANE Select); coding-DNA position 917, A replaced by G.
Protein change: p.Tyr306Cys; replaces tyrosine 306 with cysteine.
Molecular consequence: missense variant.
Genome position (GRCh38, 1-based): chr10:86,919,220, A>G. VCF-style: chr10-86919220-A-G. GRCh37 (hg19) VCF-style: chr10-88678977-A-G.
Other names: short protein forms Y306C.
Identifiers: ClinVar variation 411636 (VCV000411636.27), dbSNP rs955604329, ClinGen allele CA16613201.

ClinVar aggregate classification (germline): Uncertain significance. Review status: criteria provided, multiple submitters, no conflicts (2 of 4 stars). 5 submissions from 5 submitters: Uncertain significance (5). Last evaluated 2026-03-20.

Conditions:
Juvenile polyposis syndrome (JPS). Identifiers: Orphanet 2929, MedGen C0345893, MONDO:0017380, OMIM 174900.
Hereditary cancer-predisposing syndrome. Also called: Hereditary Cancer Syndrome; Tumor predisposition; Hereditary neoplastic syndrome; Neoplastic Syndromes, Hereditary. Identifiers: Orphanet 140162, MedGen C0027672, MeSH D009386, MONDO:0015356.

Allele frequency attached by ClinVar (database versions not stated): TOPMed below 0.00001; gnomAD exomes below 0.00001 and 0.00001.
gnomAD v4.1: 8 of 1,613,894 alleles (0.0005%); highest among the groups gnomAD compares: Non-Finnish European, 0.00068%; no homozygotes.

Submissions (5):

Ambry Genetics
Classification: Uncertain significance for Hereditary cancer-predisposing syndrome. Last evaluated: 2026-03-20. Review status: criteria provided, single submitter. Criteria: Ambry Variant Classification Scheme 2023. Collection method: clinical testing. Allele origin: germline.
Comment: The p.Y306C variant (also known as c.917A>G), located in coding exon 8 of the BMPR1A gene, results from an A to G substitution at nucleotide position 917. The tyrosine at codon 306 is replaced by cysteine, an amino acid with highly dissimilar properties. This variant was detected as heterozygous in individual(s) with no reported features of BMPR1A-related juvenile polyposis syndrome (Ambry internal data). This amino acid position is well conserved in available vertebrate species. In addition, this alteration is predicted to be deleterious by in silico analysis. Based on the available evidence, the clinical significance of this variant remains unclear.

Labcorp Genetics (formerly Invitae), Labcorp
Classification: Uncertain significance for Juvenile polyposis syndrome. Last evaluated: 2026-01-04. Review status: criteria provided, single submitter. Criteria: Invitae Variant Classification Sherloc (09022015). Collection method: clinical testing. Allele origin: germline.
Comment: This sequence change replaces tyrosine, which is neutral and polar, with cysteine, which is neutral and slightly polar, at codon 306 of the BMPR1A protein (p.Tyr306Cys). This variant is present in population databases (no rsID available, gnomAD 0.0009%). This missense change has been observed in individual(s) with ureteropelvic junction obstruction (PMID: 26489027). ClinVar contains an entry for this variant (Variation ID: 411636). Invitae Evidence Modeling incorporating data from in vitro experimental studies (internal data) indicates that this missense variant is not expected to disrupt BMPR1A function with a negative predictive value of 95%. In summary, the available evidence is currently insufficient to determine the role of this variant in disease. Therefore, it has been classified as a Variant of Uncertain Significance.

GeneDx
Classification: Uncertain significance. Last evaluated: 2025-08-11. Review status: criteria provided, single submitter. Criteria: GeneDx Variant Classification Process June 2021. Collection method: clinical testing. Allele origin: germline. Affected: yes.
Comment: Not observed at significant frequency in large population cohorts (gnomAD); In silico analysis supports that this missense variant has a deleterious effect on protein structure/function; Observed in an individual with ureteropelvic junction obstruction (PMID: 26489027); This variant is associated with the following publications: (PMID: 26489027)

All of Us Research Program, National Institutes of Health
Classification: Uncertain significance for Juvenile polyposis syndrome. Last evaluated: 2024-07-20. Review status: criteria provided, single submitter. Criteria: ACMG Guidelines, 2015. Collection method: clinical testing. Allele origin: germline. Inheritance: Autosomal dominant inheritance. Observed: 3 variant alleles, 3 heterozygotes.
Comment: This missense variant replaces tyrosine with cysteine at codon 306 of the BMPR1A protein. Computational prediction suggests that this variant may have deleterious impact on protein structure and function (internally defined REVEL score threshold >= 0.7, PMID: 27666373). Splice site prediction tools suggest that this variant may not impact RNA splicing. To our knowledge, functional studies have not been performed for this variant. This variant has not been reported in individuals affected with hereditary cancer in the literature. This variant has been identified in 1/251036 chromosomes in the general population by the Genome Aggregation Database (gnomAD). The available evidence is insufficient to determine the role of this variant in disease conclusively. Therefore, this variant is classified as a Variant of Uncertain Significance.

This study involves interpretation of variants in research participants for the purpose of population health screening. Participant phenotype was not available at the time of variant classification. Additional details can be found in publication PMID: 35346344, PMCID: PMC8962531

Color Diagnostics, LLC DBA Color Health
Classification: Uncertain significance for Hereditary cancer-predisposing syndrome. Last evaluated: 2023-08-10. Review status: criteria provided, single submitter. Criteria: ACMG Guidelines, 2015. Collection method: clinical testing. Allele origin: germline.
Comment: This missense variant replaces tyrosine with cysteine at codon 306 of the BMPR1A protein. Computational prediction suggests that this variant may have deleterious impact on protein structure and function (internally defined REVEL score threshold >= 0.7, PMID: 27666373). To our knowledge, functional studies have not been reported for this variant. This variant has not been reported in individuals affected with BMPR1A-related disorders in the literature. This variant has been identified in 1/251036 chromosomes in the general population by the Genome Aggregation Database (gnomAD). The available evidence is insufficient to determine the role of this variant in disease conclusively. Therefore, this variant is classified as a Variant of Uncertain Significance.

Literature cited by the submitters: PubMed 26489027 (cited by Ambry Genetics and Labcorp Genetics (formerly Invitae), Labcorp).